The following is an entry in ClinVar:

ClinVar aggregate classification (germline): Uncertain significance. Review status: criteria provided, multiple submitters, no conflicts (2 of 4 stars). 2 submissions from 2 submitters: Uncertain significance (2). Last evaluated 2024-05-13.

Conditions:
Inborn genetic diseases. Identifiers: MedGen C0950123, MeSH D030342.

Allele frequency attached by ClinVar (database versions not stated): gnomAD exomes 0.00005; ExAC 0.00007; gnomAD 0.00011; TOPMed 0.00011.
gnomAD v4.1: 85 of 1,612,160 alleles (0.0053%); highest among the groups gnomAD compares: Middle Eastern, 0.017%; 1 homozygote.

Submissions (2):

Mayo Clinic Laboratories, Mayo Clinic
Classification: Uncertain significance. Last evaluated: 2024-05-13. Review status: criteria provided, single submitter. Criteria: ACMG Guidelines, 2015. Collection method: clinical testing. Allele origin: germline. Observed: 1 variant allele.
Comment: BS2_supporting, BP4_strong

Ambry Genetics
Classification: Uncertain significance for Inborn genetic diseases. Last evaluated: 2022-11-17. Review status: criteria provided, single submitter. Criteria: Ambry Variant Classification Scheme 2023. Collection method: clinical testing. Allele origin: germline.

NM_005070.4(SLC4A3):c.3527C>T (p.Ala1176Val)

Gene: SLC4A3 (solute carrier family 4 member 3; plus strand). Cytogenetic location: 2q35.
Variant type: single nucleotide variant.
Coding change: c.3527C>T on transcript NM_005070.4 (MANE Select); coding-DNA position 3527, C replaced by T.
Protein change: p.Ala1176Val; replaces alanine 1176 with valine.
Molecular consequence: missense variant. On other transcripts: non-coding transcript variant (1).
Genome position (GRCh38, 1-based): chr2:219,640,868, C>T. VCF-style: chr2-219640868-C-T. GRCh37 (hg19) VCF-style: chr2-220505590-C-T.
Other names: p.Ala1203Val; c.3608C>T, p.Ala1203Val (NM_001326559.2, NM_201574.3); short protein forms A1203V, A1176V.
Identifiers: ClinVar variation 3165087 (VCV003165087.2), dbSNP rs764375703, ClinGen allele CA2134538.
Genomic context (GRCh38, chr2:219,640,868, plus strand): 5'-ATCTGTTCACCTGCATCCAGCTGGGCTGCATCGCACTGCTCTGGGTGGTCAAGTCCACGG[C>T]GGCCTCACTCGCCTTTCCCTTCCTGCTGCTGCTCACGGTGCCTCTGAGGCATTGCCTTCT-3'
Protein context (NP_005061.3, residues 1166-1186): IALLWVVKST[Ala1176Val]ASLAFPFLLL